The following is an entry in ClinVar:

NM_001165963.4(SCN1A):c.2956C>T (p.Leu986Phe)

Gene: SCN1A (sodium voltage-gated channel alpha subunit 1; minus strand). Cytogenetic location: 2q24.3.
Variant type: single nucleotide variant.
Coding change: c.2956C>T on transcript NM_001165963.4 (MANE Select); coding-DNA position 2956, C replaced by T.
Protein change: p.Leu986Phe; replaces leucine 986 with phenylalanine.
Molecular consequence: missense variant. On other transcripts: non-coding transcript variant (1).
Genome position (GRCh38, 1-based): chr2:166,036,521, G>A on the plus strand (C>T on the coding strand, the complement: SCN1A is on the minus strand). VCF-style: chr2-166036521-G-A. GRCh37 (hg19) VCF-style: chr2-166893031-G-A.
Other names: c.2872C>T, p.Leu958Phe (NM_001165964.3, NM_001353957.2, NM_001353958.2); c.2956C>T, p.Leu986Phe (NM_001202435.3, NM_001353948.2); c.2923C>T, p.Leu975Phe (NM_001353949.2, NM_001353950.2, NM_001353951.2 and 2 more transcripts); c.2920C>T, p.Leu974Phe (NM_001353954.2, NM_001353955.2); c.2869C>T, p.Leu957Phe (NM_001353960.2); c.514C>T, p.Leu172Phe (NM_001353961.2); short protein forms L986F, L975F, L974F, L172F, L957F, L958F.
Identifiers: ClinVar variation 12890 (VCV000012890.12), dbSNP rs121918625, ClinGen allele CA281911.
Genomic context (GRCh38, chr2:166,036,521, plus strand): 5'-CATCATCAGTGGCTGCAAGGTTGTCTGCACTAAATGAGCTCAGAAGCAAGGCCAGAAAGA[G>A]ATTCAGGACCTTAAAAACAACAAAAACATGATTATAATTTTACACCAATGTAGGGAAGAG-3'
Protein context (NP_001159435.1, residues 976-996): MVIGNLVVLN[Leu986Phe]FLALLLSSFS

ClinVar aggregate classification (germline): Pathogenic. Review status: criteria provided, single submitter (1 of 4 stars). 3 submissions from 3 submitters: Pathogenic (1). 2 of the submissions do not count toward it. Last evaluated 2022-07-05.

Conditions:
Early-infantile DEE. Also called: Early infantile epileptic encephalopathy with suppression bursts; Early infantile epileptic encephalopathy; Ohtahara syndrome. Identifiers: Orphanet 1934, MedGen C0393706, MONDO:0800491.
Severe myoclonic epilepsy in infancy (DRVT). Also called: Epileptic encephalopathy, early infantile, 6 (Dravet syndrome); Dravet syndrome; SEVERE MYOCLONIC EPILEPSY OF INFANCY; DEVELOPMENTAL AND EPILEPTIC ENCEPHALOPATHY 6A; Severe Myoclonic Epilepsy in Infancy (SMEI). Identifiers: Orphanet 33069, MedGen C0751122, MONDO:0100135, OMIM 607208.

Submissions (4):

Labcorp Genetics (formerly Invitae), Labcorp
Classification: Pathogenic for Early-infantile DEE. Last evaluated: 2022-07-05. Review status: criteria provided, single submitter. Criteria: Invitae Variant Classification Sherloc (09022015). Collection method: clinical testing. Allele origin: germline.
Comment: For these reasons, this variant has been classified as Pathogenic. Experimental studies have shown that this missense change affects SCN1A function (PMID: 14672992, 18804930, 23086956, 25348405). Advanced modeling of protein sequence and biophysical properties (such as structural, functional, and spatial information, amino acid conservation, physicochemical variation, residue mobility, and thermodynamic stability) performed at Invitae indicates that this missense variant is expected to disrupt SCN1A protein function. ClinVar contains an entry for this variant (Variation ID: 12890). This missense change has been observed in individual(s) with severe myoclonic epilepsy of infancy (PMID: 11359211). In at least one individual the variant was observed to be de novo. This variant is not present in population databases (gnomAD no frequency). This sequence change replaces leucine, which is neutral and non-polar, with phenylalanine, which is neutral and non-polar, at codon 986 of the SCN1A protein (p.Leu986Phe).

OMIM
Classification: Pathogenic for DRAVET SYNDROME. Last evaluated: 2001-06-01. Review status: no assertion criteria provided. Collection method: literature only. Allele origin: germline. Not counted in ClinVar's aggregate classification.

Channelopathy-Associated Epilepsy Research Center
No classification provided (evidence only). Condition: Severe myoclonic epilepsy in infancy. Review status: no classification provided. Collection method: literature only. Allele origin: not applicable. Functional consequence: Absence of peak current, Overall loss-of-function. Not counted in ClinVar's aggregate classification.
ClinVar note: "not provided" was previously submitted as the classification for the variant. However, the classification appeared to be based only on an observation of functional data so it was converted to no classification on 2025-07-30.

UniProtKB/Swiss-Prot
No classification provided. Condition: Severe myoclonic epilepsy in infancy. Review status: no classification provided. Collection method: not provided. Allele origin: not provided. Not counted in ClinVar's aggregate classification.

Literature cited by the submitters: PubMed 14672992 (cited by Labcorp Genetics (formerly Invitae), Labcorp and Channelopathy-Associated Epilepsy Research Center); PubMed 18804930 (cited by Labcorp Genetics (formerly Invitae), Labcorp); PubMed 23086956 (cited by Labcorp Genetics (formerly Invitae), Labcorp); PubMed 25348405 (cited by Labcorp Genetics (formerly Invitae), Labcorp); PubMed 11359211 (cited by Labcorp Genetics (formerly Invitae), Labcorp and OMIM).